The following is an entry in ClinVar:

ClinVar aggregate classification (germline): Pathogenic (1 of 4 stars; one submission).

Conditions:
Familial focal epilepsy with variable foci (FPEVF). Identifiers: Orphanet 98820, MedGen C1858477, MONDO:0020310.

Submission:

Labcorp Genetics (formerly Invitae), Labcorp
Classification: Pathogenic for Familial focal epilepsy with variable foci. Last evaluated: 2023-01-15. Review status: criteria provided, single submitter. Criteria: Invitae Variant Classification Sherloc (09022015). Collection method: clinical testing. Allele origin: germline.
Comment: This sequence change creates a premature translational stop signal (p.Phe901Serfs*20) in the DEPDC5 gene. It is expected to result in an absent or disrupted protein product. Loss-of-function variants in DEPDC5 are known to be pathogenic (PMID: 23542697, 23542701). This variant is not present in population databases (gnomAD no frequency). This variant has not been reported in the literature in individuals affected with DEPDC5-related conditions. For these reasons, this variant has been classified as Pathogenic.

Literature cited by the submitters: PubMed 23542697; PubMed 23542701.

NM_001242896.3(DEPDC5):c.2702_2705del (p.Phe901fs)

Gene: DEPDC5 (DEP domain containing 5, GATOR1 subcomplex subunit; plus strand). Cytogenetic location: 22q12.3.
Variant type: Deletion.
Coding change: c.2702_2705del on transcript NM_001242896.3 (MANE Select); coding-DNA positions 2702 to 2705, 4 bases deleted (TCGT; older notation c.2702_2705delTCGT).
Protein change: p.Phe901fs; shifts the reading frame from phenylalanine 901.
Molecular consequence: frameshift variant. On other transcripts: non-coding transcript variant (5).
Genome position (GRCh38, 1-based): chr22:31,843,713-31,843,716, TCGT deleted; deleting any 4 consecutive bases within chr22:31,843,711-31,843,716 gives the same sequence; the c. name uses the placement nearest the transcript's 3' end. VCF-style (leftmost placement, unchanged base first): chr22-31843710-AGTTC-A. GRCh37 (hg19) VCF-style: chr22-32239696-AGTTC-A.
Other names: c.2675_2678del, p.Phe892fs (NM_001136029.4, NM_001369903.1, NM_014662.6); c.2468_2471del, p.Phe823fs (NM_001242897.2, NM_001363854.2, NM_001364319.2); c.2702_2705del, p.Phe901fs (NM_001363852.2, NM_001364318.2, NM_001364320.2); c.2618_2621del, p.Phe873fs (NM_001369901.1, NM_001369902.1); short protein forms F823fs, F873fs, F892fs, F901fs.
Identifiers: ClinVar variation 2828963 (VCV002828963.3), dbSNP rs2520118920, ClinGen allele CA2739267882.